The following is an entry in ClinVar:

NM_000321.3(RB1):c.2664T>C (p.Ser888=)

Gene: RB1 (RB transcriptional corepressor 1; plus strand). Cytogenetic location: 13q14.2.
Variant type: single nucleotide variant.
Coding change: c.2664T>C on transcript NM_000321.3 (MANE Select); coding-DNA position 2664, T replaced by C.
Protein change: p.Ser888=; no amino-acid change (serine 888 retained).
Molecular consequence: synonymous variant.
Genome position (GRCh38, 1-based): chr13:48,477,355, T>C. VCF-style: chr13-48477355-T-C. GRCh37 (hg19) VCF-style: chr13-49051491-T-C.
Other names: c.2664T>C, p.Ser888= (NM_001407165.1); c.114T>C, p.Ser38= (NM_001407168.1).
Identifiers: ClinVar variation 3387579 (VCV003387579.1).

ClinVar aggregate classification (germline): Likely benign (1 of 4 stars; one submission).

Conditions:
Retinoblastoma (RB1). Also called: RETINOBLASTOMA, SOMATIC. Identifiers: Orphanet 790, MedGen C0035335, MeSH D012175, MONDO:0008380, OMIM 180200, HP:0009919. Disease mechanism: loss of function. Inheritance: Both sporadic and heritable forms are tested..

Submission:

All of Us Research Program, National Institutes of Health
Classification: Likely benign for Retinoblastoma. Last evaluated: 2024-06-17. Review status: criteria provided, single submitter. Criteria: ACMG Guidelines, 2015. Collection method: clinical testing. Allele origin: germline. Inheritance: Autosomal dominant inheritance. Observed: 1 variant allele, 1 heterozygote.
Comment: This study involves interpretation of variants in research participants for the purpose of population health screening. Participant phenotype was not available at the time of variant classification. Additional details can be found in publication PMID: 35346344, PMCID: PMC8962531